The following is an entry in ClinVar:

NM_001190274.2(FBXO11):c.1359T>A (p.His453Gln)

Gene: FBXO11 (F-box protein 11; minus strand). Cytogenetic location: 2p16.3.
Variant type: single nucleotide variant.
Coding change: c.1359T>A on transcript NM_001190274.2 (MANE Select); coding-DNA position 1359, T replaced by A.
Protein change: p.His453Gln; replaces histidine 453 with glutamine.
Molecular consequence: missense variant.
Genome position (GRCh38, 1-based): chr2:47,832,388, A>T on the plus strand (T>A on the coding strand, the complement: FBXO11 is on the minus strand). VCF-style: chr2-47832388-A-T. GRCh37 (hg19) VCF-style: chr2-48059527-A-T.
Other names: c.1359T>A (NM_001190274.1); c.1107T>A, p.His369Gln (NM_001374325.1, NM_025133.4); short protein forms H369Q, H453Q.
Identifiers: ClinVar variation 1464134 (VCV001464134.9), dbSNP rs1672263440, ClinGen allele CA346765252.
Genomic context (GRCh38, chr2:47,832,388, plus strand): 5'-ATTAAAAATAAGTGTTCTTACCATGCCATGATCAAATGTGAACACACCAACATCACGTCC[A>T]TGATGAATATGATTCCGTCTAATAATTGGGTTTCCATGATTTTTAACCCAAATCCCAGCT-3'
Protein context (NP_001177203.1, residues 443-463): NPIIRRNHIH[His453Gln]GRDVGVFTFD

ClinVar aggregate classification (germline): Uncertain significance. Review status: criteria provided, multiple submitters, no conflicts (2 of 4 stars). 2 submissions from 2 submitters: Uncertain significance (2). Last evaluated 2026-01-28.

Conditions:
Inborn genetic diseases. Identifiers: MedGen C0950123, MeSH D030342.

Allele frequency attached by ClinVar (database versions not stated): TOPMed 0.00001.

Submissions (2):

Labcorp Genetics (formerly Invitae), Labcorp
Classification: Uncertain significance. Last evaluated: 2026-01-28. Review status: criteria provided, single submitter. Criteria: Invitae Variant Classification Sherloc (09022015). Collection method: clinical testing. Allele origin: germline.
Comment: This sequence change replaces histidine, which is basic and polar, with glutamine, which is neutral and polar, at codon 453 of the FBXO11 protein (p.His453Gln). This variant is not present in population databases (gnomAD no frequency). This variant has not been reported in the literature in individuals affected with FBXO11-related conditions. ClinVar contains an entry for this variant (Variation ID: 1464134). An algorithm developed to predict the effect of missense changes on protein structure and function (PolyPhen-2) suggests that this variant is likely to be disruptive. In summary, the available evidence is currently insufficient to determine the role of this variant in disease. Therefore, it has been classified as a Variant of Uncertain Significance.

Ambry Genetics
Classification: Uncertain significance for Inborn genetic diseases. Last evaluated: 2025-02-24. Review status: criteria provided, single submitter. Criteria: Ambry Variant Classification Scheme 2023. Collection method: clinical testing. Allele origin: germline.